The following is an entry in ClinVar:

NM_025243.4(SLC19A3):c.*1813A>G

Gene: SLC19A3 (solute carrier family 19 member 3; minus strand). Cytogenetic location: 2q36.3.
Variant type: single nucleotide variant.
Coding change: c.*1813A>G on transcript NM_025243.4 (MANE Select); 1813 bases downstream of the stop codon, A replaced by G.
Molecular consequence: 3 prime UTR variant.
Genome position (GRCh38, 1-based): chr2:227,685,584, T>C on the plus strand (A>G on the coding strand, the complement: SLC19A3 is on the minus strand). VCF-style: chr2-227685584-T-C. GRCh37 (hg19) VCF-style: chr2-228550300-T-C.
Identifiers: ClinVar variation 334845 (VCV000334845.7), dbSNP rs76100632, ClinGen allele CA10612701.
Genomic context (GRCh38, chr2:227,685,584, plus strand): 5'-CAACGTGAGATTTGGTGGGGACACAGATCCAAACCATATCAAAATCCAATTAAAAATTTT[T>C]TTGTTTGTTTTAGACACAGGGTCTTGCTATATTGGCCAAGATGGTCTCATACCCCTACCC-3'

ClinVar aggregate classification (germline): Benign. Review status: criteria provided, multiple submitters, no conflicts (2 of 4 stars). 2 submissions from 2 submitters: Benign (2). Last evaluated 2018-01-13.

Conditions:
Biotin-responsive basal ganglia disease (BTBGD). Also called: Thiamine Transporter-2 Deficiency; THIAMINE METABOLISM DYSFUNCTION SYNDROME 2 (BIOTIN- AND THIAMINE-RESPONSIVE TYPE); Thiamine metabolism dysfunction syndrome type 2; Thiamine metabolism dysfunction syndrome 2 (biotin- or thiamine-responsive encephalopathy type 2); thiamine-responsive encephalopathy. Identifiers: Orphanet 199348, Orphanet 65284, MedGen C1843807, MONDO:0011841, OMIM 607483.

Allele frequency attached by ClinVar (database versions not stated): gnomAD 0.07454 and 0.07950; TOPMed 0.08325; 1000 Genomes Project 0.08446; 1000 Genomes Project 30x 0.09525.

Submissions (2):

Illumina Laboratory Services, Illumina
Classification: Benign for Biotin-responsive basal ganglia disease. Last evaluated: 2018-01-13. Review status: criteria provided, single submitter. Criteria: ICSL Variant Classification Criteria 13 December 2019. Collection method: clinical testing. Allele origin: germline.
Comment: This variant was observed in the ICSL laboratory as part of a predisposition screen in an ostensibly healthy population. It had not been previously curated by ICSL or reported in the Human Gene Mutation Database (HGMD: prior to June 1st, 2018), and was therefore a candidate for classification through an automated scoring system. Utilizing variant allele frequency, disease prevalence and penetrance estimates, and inheritance mode, an automated score was calculated to assess if this variant is too frequent to cause the disease. Based on the score and internal cut-off values, a variant classified as benign is not then subjected to further curation. The score for this variant resulted in a classification of benign for this disease.

Breakthrough Genomics
Classification: Benign. Review status: criteria provided, single submitter. Criteria: ACMG Guidelines, 2015. Collection method: not provided. Allele origin: germline. Inheritance: Autosomal recessive inheritance. Affected: yes.